The following is an entry in ClinVar:

ClinVar aggregate classification (germline): Conflicting classifications of pathogenicity. Review status: criteria provided, conflicting classifications (1 of 4 stars). 9 submissions from 9 submitters: Uncertain significance (8); Likely benign (1). Last evaluated 2025-12-09.

Conditions:
Inborn genetic diseases. Identifiers: MedGen C0950123, MeSH D030342.
Microcephaly 5, primary, autosomal recessive (MCPH5). Also called: ASPM Primary Microcephaly. Identifiers: Orphanet 2512, MedGen C1837501, MONDO:0012106, OMIM 608716.

Allele frequency attached by ClinVar (database versions not stated): 1000 Genomes Project 30x 0.00031; TOPMed 0.00047; ESP Exome Variant Server 0.00054.
gnomAD v4.1: 866 of 1,613,818 alleles (0.054%); highest among the groups gnomAD compares: Non-Finnish European, 0.067%; no homozygotes.

Submissions (9):

Ambry Genetics
Classification: Uncertain significance for Inborn genetic diseases. Last evaluated: 2025-12-09. Review status: criteria provided, single submitter. Criteria: Ambry Variant Classification Scheme 2023. Collection method: clinical testing. Allele origin: germline.

Revvity Omics, Revvity
Classification: Uncertain significance for Microcephaly 5, primary, autosomal recessive. Last evaluated: 2025-05-09. Review status: criteria provided, single submitter. Criteria: ACMG Guidelines, 2015. Collection method: clinical testing. Allele origin: germline.

Blueprint Genetics
Classification: Uncertain significance. Last evaluated: 2024-04-09. Review status: criteria provided, single submitter. Criteria: ACMG Guidelines, 2015. Collection method: clinical testing. Allele origin: germline.

Labcorp Genetics (formerly Invitae), Labcorp
Classification: Uncertain significance. Last evaluated: 2022-07-12. Review status: criteria provided, single submitter. Criteria: Invitae Variant Classification Sherloc (09022015). Collection method: clinical testing. Allele origin: germline.
Comment: This sequence change replaces serine, which is neutral and polar, with phenylalanine, which is neutral and non-polar, at codon 1189 of the ASPM protein (p.Ser1189Phe). This variant is present in population databases (rs143805893, gnomAD 0.05%). This variant has not been reported in the literature in individuals affected with ASPM-related conditions. ClinVar contains an entry for this variant (Variation ID: 294639). Algorithms developed to predict the effect of missense changes on protein structure and function output the following: SIFT: "Deleterious"; PolyPhen-2: "Benign"; Align-GVGD: "Class C0". The phenylalanine amino acid residue is found in multiple mammalian species, which suggests that this missense change does not adversely affect protein function. In summary, the available evidence is currently insufficient to determine the role of this variant in disease. Therefore, it has been classified as a Variant of Uncertain Significance.

GeneDx
Classification: Likely benign. Last evaluated: 2019-07-03. Review status: criteria provided, single submitter. Criteria: GeneDx Variant Classification Process June 2021. Collection method: clinical testing. Allele origin: germline. Affected: yes.

Athena Diagnostics
Classification: Uncertain significance. Last evaluated: 2019-05-17. Review status: criteria provided, single submitter. Criteria: Athena Diagnostics Criteria. Collection method: clinical testing. Allele origin: germline.

Fulgent Genetics
Classification: Uncertain significance for Microcephaly 5, primary, autosomal recessive. Last evaluated: 2018-10-31. Review status: criteria provided, single submitter. Criteria: ACMG Guidelines, 2015. Collection method: clinical testing. Allele origin: unknown.

Illumina Laboratory Services, Illumina
Classification: Uncertain significance for Microcephaly 5, primary, autosomal recessive. Last evaluated: 2018-01-13. Review status: criteria provided, single submitter. Criteria: ICSL Variant Classification Criteria 13 December 2019. Collection method: clinical testing. Allele origin: germline.

Genetic Services Laboratory, University of Chicago
Classification: Uncertain significance. Last evaluated: 2016-09-22. Review status: criteria provided, single submitter. Criteria: ACMG Guidelines, 2015. Collection method: clinical testing. Allele origin: germline. Affected: no.

NM_018136.5(ASPM):c.3566C>T (p.Ser1189Phe)

Gene: ASPM (assembly factor for spindle microtubules; minus strand). Cytogenetic location: 1q31.3.
Variant type: single nucleotide variant.
Coding change: c.3566C>T on transcript NM_018136.5 (MANE Select); coding-DNA position 3566, C replaced by T.
Protein change: p.Ser1189Phe; replaces serine 1189 with phenylalanine.
Molecular consequence: missense variant.
Genome position (GRCh38, 1-based): chr1:197,122,420, G>A on the plus strand (C>T on the coding strand, the complement: ASPM is on the minus strand). VCF-style: chr1-197122420-G-A. GRCh37 (hg19) VCF-style: chr1-197091550-G-A.
Other names: c.3566C>T, p.Ser1189Phe (NM_001206846.2); short protein forms S1189F.
Identifiers: ClinVar variation 294639 (VCV000294639.20), dbSNP rs143805893, ClinGen allele CA1310142.
Genomic context (GRCh38, chr1:197,122,420, plus strand): 5'-ATTGGAAAAGTAACCAAAAGGGACTAACCATGATCAAATGCTTTAAGAGACATATCCAGA[G>A]AACTGTCATCAGATTCAGATGATGAATTTAATACCACTGAACCAGTTTGCGTACATTCCA-3'
Protein context (NP_060606.3, residues 1179-1199): LNSSSESDDS[Ser1189Phe]LDMSLKAFDH